The following is an entry in ClinVar:

NM_006231.4(POLE):c.5752G>A (p.Asp1918Asn)

Gene: POLE (DNA polymerase epsilon, catalytic subunit; minus strand). Cytogenetic location: 12q24.33.
Variant type: single nucleotide variant.
Coding change: c.5752G>A on transcript NM_006231.4 (MANE Select); coding-DNA position 5752, G replaced by A.
Protein change: p.Asp1918Asn; replaces aspartic acid 1918 with asparagine.
Molecular consequence: missense variant.
Genome position (GRCh38, 1-based): chr12:132,635,951, C>T on the plus strand (G>A on the coding strand, the complement: POLE is on the minus strand). VCF-style: chr12-132635951-C-T. GRCh37 (hg19) VCF-style: chr12-133212537-C-T.
Other names: c.5752G>A (NM_006231.2); short protein forms D1918N.
Identifiers: ClinVar variation 1004689 (VCV001004689.9), dbSNP rs2042023544, ClinGen allele CA387372994.

ClinVar aggregate classification (germline): Uncertain significance. Review status: criteria provided, multiple submitters, no conflicts (2 of 4 stars). 2 submissions from 2 submitters: Uncertain significance (2). Last evaluated 2026-01-20.

Conditions:
Hereditary cancer-predisposing syndrome. Also called: Hereditary neoplastic syndrome; Neoplastic Syndromes, Hereditary; Tumor predisposition; Hereditary Cancer Syndrome. Identifiers: Orphanet 140162, MedGen C0027672, MeSH D009386, MONDO:0015356.

Submissions (2):

Labcorp Genetics (formerly Invitae), Labcorp
Classification: Uncertain significance. Last evaluated: 2026-01-20. Review status: criteria provided, single submitter. Criteria: Invitae Variant Classification Sherloc (09022015). Collection method: clinical testing. Allele origin: germline.
Comment: This sequence change replaces aspartic acid, which is acidic and polar, with asparagine, which is neutral and polar, at codon 1918 of the POLE protein (p.Asp1918Asn). This variant is not present in population databases (gnomAD no frequency). This variant has not been reported in the literature in individuals affected with POLE-related conditions. ClinVar contains an entry for this variant (Variation ID: 1004689). Invitae Evidence Modeling of protein sequence and biophysical properties (such as structural, functional, and spatial information, amino acid conservation, physicochemical variation, residue mobility, and thermodynamic stability) indicates that this missense variant is not expected to disrupt POLE protein function with a negative predictive value of 80%. In summary, the available evidence is currently insufficient to determine the role of this variant in disease. Therefore, it has been classified as a Variant of Uncertain Significance.

Ambry Genetics
Classification: Uncertain significance for Hereditary cancer-predisposing syndrome. Last evaluated: 2025-07-31. Review status: criteria provided, single submitter. Criteria: Ambry Variant Classification Scheme 2023. Collection method: clinical testing. Allele origin: germline.
Comment: The p.D1918N variant (also known as c.5752G>A), located in coding exon 42 of the POLE gene, results from a G to A substitution at nucleotide position 5752. The aspartic acid at codon 1918 is replaced by asparagine, an amino acid with highly similar properties. This amino acid position is conserved. In addition, this alteration is predicted to be tolerated by in silico analysis. Based on the available evidence, the clinical significance of this variant remains unclear.